The following is an entry in ClinVar:

NM_024570.4(RNASEH2B):c.601T>C (p.Ser201Pro)

Gene: RNASEH2B (ribonuclease H2 subunit B; plus strand). Cytogenetic location: 13q14.3.
Variant type: single nucleotide variant.
Coding change: c.601T>C on transcript NM_024570.4 (MANE Select); coding-DNA position 601, T replaced by C.
Protein change: p.Ser201Pro; replaces serine 201 with proline.
Molecular consequence: missense variant.
Genome position (GRCh38, 1-based): chr13:50,945,517, T>C. VCF-style: chr13-50945517-T-C. GRCh37 (hg19) VCF-style: chr13-51519653-T-C.
Other names: c.601T>C, p.Ser201Pro (NM_001142279.2); short protein forms S201P.
Identifiers: ClinVar variation 1387834 (VCV001387834.8), dbSNP rs2137991056, ClinGen allele CA388259729.

ClinVar aggregate classification (germline): Uncertain significance (1 of 4 stars; one submission).

Conditions:
Aicardi-Goutieres syndrome 2. Identifiers: Orphanet 51, MedGen C3489724, MONDO:0012429, OMIM 610181.

Allele frequency attached by ClinVar (database versions not stated): gnomAD exomes below 0.00001.
gnomAD v4.1: 3 of 1,611,768 alleles (0.00019%); highest among the groups gnomAD compares: Non-Finnish European, 0.00025%; no homozygotes.

Submission:

Labcorp Genetics (formerly Invitae), Labcorp
Classification: Uncertain significance for Aicardi-Goutieres syndrome 2. Last evaluated: 2022-06-20. Review status: criteria provided, single submitter. Criteria: Invitae Variant Classification Sherloc (09022015). Collection method: clinical testing. Allele origin: germline.
Comment: This variant has not been reported in the literature in individuals affected with RNASEH2B-related conditions. This sequence change replaces serine, which is neutral and polar, with proline, which is neutral and non-polar, at codon 201 of the RNASEH2B protein (p.Ser201Pro). This variant is not present in population databases (gnomAD no frequency). Algorithms developed to predict the effect of missense changes on protein structure and function are either unavailable or do not agree on the potential impact of this missense change (SIFT: "Tolerated"; PolyPhen-2: "Possibly Damaging"; Align-GVGD: "Class C0"). In summary, the available evidence is currently insufficient to determine the role of this variant in disease. Therefore, it has been classified as a Variant of Uncertain Significance.